The following is an entry in ClinVar:

NM_032043.3(BRIP1):c.3136G>C (p.Val1046Leu)

Gene: BRIP1 (BRCA1 interacting DNA helicase 1; minus strand). Cytogenetic location: 17q23.2.
Variant type: single nucleotide variant.
Coding change: c.3136G>C on transcript NM_032043.3 (MANE Select); coding-DNA position 3136, G replaced by C.
Protein change: p.Val1046Leu; replaces valine 1046 with leucine.
Molecular consequence: missense variant.
Genome position (GRCh38, 1-based): chr17:61,683,910, C>G on the plus strand (G>C on the coding strand, the complement: BRIP1 is on the minus strand). VCF-style: chr17-61683910-C-G. GRCh37 (hg19) VCF-style: chr17-59761271-C-G.
Other names: short protein forms V1046L.
Identifiers: ClinVar variation 652980 (VCV000652980.10), dbSNP rs1555572824, ClinGen allele CA400479599.

ClinVar aggregate classification (germline): Uncertain significance. Review status: criteria provided, multiple submitters, no conflicts (2 of 4 stars). 3 submissions from 3 submitters: Uncertain significance (3). Last evaluated 2023-12-05.

Conditions:
Familial cancer of breast. Also called: hereditary breast carcinoma; BREAST CANCER, FAMILIAL; Hereditary breast cancer. Identifiers: Orphanet 227535, MedGen C0346153, MONDO:0016419, OMIM 114480. Disease mechanism: loss of function.
Fanconi anemia complementation group J. Also called: BRIP1-Related Fanconi Anemia. Identifiers: Orphanet 84, MedGen C1836860, MONDO:0012187, OMIM 609054.
Hereditary cancer-predisposing syndrome. Also called: Hereditary Cancer Syndrome; Tumor predisposition; Neoplastic Syndromes, Hereditary; Hereditary neoplastic syndrome. Identifiers: Orphanet 140162, MedGen C0027672, MeSH D009386, MONDO:0015356.

Submissions (3):

Color Diagnostics, LLC DBA Color Health
Classification: Uncertain significance for Hereditary cancer-predisposing syndrome. Last evaluated: 2023-12-05. Review status: criteria provided, single submitter. Criteria: ACMG Guidelines, 2015. Collection method: clinical testing. Allele origin: germline.
Comment: This missense variant replaces valine with leucine at codon 1046 of the BRIP1 protein. Computational prediction suggests that this variant may not impact protein structure and function (internally defined REVEL score threshold <= 0.5, PMID: 27666373). To our knowledge, functional studies have not been reported for this variant. This variant has not been reported in individuals affected with BRIP1-related disorders in the literature. This variant has not been identified in the general population by the Genome Aggregation Database (gnomAD). The available evidence is insufficient to determine the role of this variant in disease conclusively. Therefore, this variant is classified as a Variant of Uncertain Significance.

Labcorp Genetics (formerly Invitae), Labcorp
Classification: Uncertain significance for Familial cancer of breast; Fanconi anemia complementation group J. Last evaluated: 2021-08-27. Review status: criteria provided, single submitter. Criteria: Invitae Variant Classification Sherloc (09022015). Collection method: clinical testing. Allele origin: germline.
Comment: This sequence change replaces valine with leucine at codon 1046 of the BRIP1 protein (p.Val1046Leu). The valine residue is weakly conserved and there is a small physicochemical difference between valine and leucine. This variant is not present in population databases (ExAC no frequency). This variant has not been reported in the literature in individuals affected with BRIP1-related conditions. Algorithms developed to predict the effect of missense changes on protein structure and function output the following: SIFT: "Tolerated"; PolyPhen-2: "Benign"; Align-GVGD: "Class C0". The leucine amino acid residue is found in multiple mammalian species, which suggests that this missense change does not adversely affect protein function. In summary, the available evidence is currently insufficient to determine the role of this variant in disease. Therefore, it has been classified as a Variant of Uncertain Significance.

Ambry Genetics
Classification: Uncertain significance for Hereditary cancer-predisposing syndrome. Last evaluated: 2021-06-30. Review status: criteria provided, single submitter. Criteria: Ambry Variant Classification Scheme 2023. Collection method: clinical testing. Allele origin: germline.
Comment: The p.V1046L variant (also known as c.3136G>C), located in coding exon 19 of the BRIP1 gene, results from a G to C substitution at nucleotide position 3136. The valine at codon 1046 is replaced by leucine, an amino acid with highly similar properties. This amino acid position is conserved. In addition, this alteration is predicted to be tolerated by in silico analysis. Since supporting evidence is limited at this time, the clinical significance of this alteration remains unclear.